The following is an entry in ClinVar:

ClinVar aggregate classification (germline): Uncertain significance. Review status: criteria provided, multiple submitters, no conflicts (2 of 4 stars). 2 submissions from 2 submitters: Uncertain significance (2). Last evaluated 2025-09-08.

Conditions:
Hereditary cancer-predisposing syndrome. Also called: Neoplastic Syndromes, Hereditary; Tumor predisposition; Hereditary neoplastic syndrome; Hereditary Cancer Syndrome. Identifiers: Orphanet 140162, MedGen C0027672, MeSH D009386, MONDO:0015356.
Hereditary breast ovarian cancer syndrome. Also called: BRCA1- and BRCA2-Associated Hereditary Breast and Ovarian Cancer; Hereditary breast and ovarian cancer; Hereditary breast and ovarian cancer syndrome (HBOC); Hereditary breast and ovarian cancer syndrome; Hereditary breast and/or ovarian cancer syndrome; Breast and ovarian cancer. Identifiers: Orphanet 145, MedGen C0677776, MeSH D061325, MONDO:0003582. Disease mechanism: loss of function.

gnomAD v4.1: 1 of 1,613,960 alleles (0.000062%); highest among the groups gnomAD compares: Non-Finnish European, 0.000085%; no homozygotes.

Submissions (2):

Ambry Genetics
Classification: Uncertain significance for Hereditary cancer-predisposing syndrome. Last evaluated: 2025-09-08. Review status: criteria provided, single submitter. Criteria: Ambry Variant Classification Scheme 2023. Collection method: clinical testing. Allele origin: germline.
Comment: The p.P3243H variant (also known as c.9728C>A), located in coding exon 26 of the BRCA2 gene, results from a C to A substitution at nucleotide position 9728. The proline at codon 3243 is replaced by histidine, an amino acid with similar properties. This amino acid position is not well conserved in available vertebrate species. In addition, this alteration is predicted to be tolerated by in silico analysis. Based on the available evidence, the clinical significance of this variant remains unclear.

Labcorp Genetics (formerly Invitae), Labcorp
Classification: Uncertain significance for Hereditary breast ovarian cancer syndrome. Last evaluated: 2023-11-15. Review status: criteria provided, single submitter. Criteria: Invitae Variant Classification Sherloc (09022015). Collection method: clinical testing. Allele origin: germline.
Comment: This sequence change replaces proline, which is neutral and non-polar, with histidine, which is basic and polar, at codon 3243 of the BRCA2 protein (p.Pro3243His). This variant is not present in population databases (gnomAD no frequency). This variant has not been reported in the literature in individuals affected with BRCA2-related conditions. Advanced modeling of protein sequence and biophysical properties (such as structural, functional, and spatial information, amino acid conservation, physicochemical variation, residue mobility, and thermodynamic stability) performed at Invitae indicates that this missense variant is not expected to disrupt BRCA2 protein function with a negative predictive value of 95%. In summary, the available evidence is currently insufficient to determine the role of this variant in disease. Therefore, it has been classified as a Variant of Uncertain Significance.

NM_000059.4(BRCA2):c.9728C>A (p.Pro3243His)

Gene: BRCA2 (BRCA2 DNA repair associated; plus strand). Cytogenetic location: 13q13.1.
Variant type: single nucleotide variant.
Coding change: c.9728C>A on transcript NM_000059.4 (MANE Select); coding-DNA position 9728, C replaced by A.
Protein change: p.Pro3243His; replaces proline 3243 with histidine.
Molecular consequence: missense variant. On other transcripts: non-coding transcript variant (1).
Genome position (GRCh38, 1-based): chr13:32,398,241, C>A. VCF-style: chr13-32398241-C-A. GRCh37 (hg19) VCF-style: chr13-32972378-C-A.
Other names: c.9632C>A, p.Pro3211His (NM_001406719.1); c.9677C>A, p.Pro3226His (NM_001406720.1); c.4796C>A, p.Pro1599His (NM_001406721.1); c.3311C>A, p.Pro1104His (NM_001406722.1); short protein forms P1599H, P3226H, P3243H, P1104H, P3211H.
Identifiers: ClinVar variation 2696044 (VCV002696044.4), dbSNP rs80359241, ClinGen allele CA387765506.